The following is an entry in ClinVar:

ClinVar aggregate classification (germline): Benign/Likely benign. Review status: criteria provided, multiple submitters, no conflicts (2 of 4 stars). 5 submissions from 5 submitters: Benign (1); Likely benign (4). Last evaluated 2026-01-18.

Conditions:
CACNA1C-related disorder. Also called: CACNA1C-related disorders; CACNA1C-related condition. Identifiers: MedGen CN381092, MONDO:0700321.
Cardiovascular phenotype. Identifiers: MedGen CN230736.
Long QT syndrome (LQTS). Identifiers: MedGen C0023976, MeSH D008133, MONDO:0002442. Disease mechanism: loss of function. Inheritance: Various modes of inheritance.

Allele frequency attached by ClinVar (database versions not stated): 1000 Genomes Project 30x 0.00016; TOPMed 0.00001; 1000 Genomes Project 0.00020; gnomAD 0.00001 and 0.00007; ExAC 0.00022; gnomAD exomes 0.00015 and 0.00024.
gnomAD v4.1: 223 of 1,613,992 alleles (0.014%); highest among the groups gnomAD compares: South Asian, 0.22%; 3 homozygotes.

Submissions (5):

Labcorp Genetics (formerly Invitae), Labcorp
Classification: Benign for Long QT syndrome. Last evaluated: 2026-01-18. Review status: criteria provided, single submitter. Criteria: Invitae Variant Classification Sherloc (09022015). Collection method: clinical testing. Allele origin: germline.

Blueprint Genetics
Classification: Likely benign. Last evaluated: 2024-11-11. Review status: criteria provided, single submitter. Criteria: ACMG Guidelines, 2015. Collection method: clinical testing. Allele origin: germline.

PreventionGenetics, part of Exact Sciences
Classification: Likely benign for CACNA1C-related condition. Last evaluated: 2024-10-04. Review status: criteria provided, single submitter. Criteria: ACMG Guidelines, 2015. Collection method: clinical testing. Allele origin: germline.
Comment: This variant is classified as likely benign based on ACMG/AMP sequence variant interpretation guidelines (Richards et al. 2015 PMID: 25741868, with internal and published modifications).

GeneDx
Classification: Likely benign. Last evaluated: 2020-12-29. Review status: criteria provided, single submitter. Criteria: GeneDx Variant Classification Process June 2021. Collection method: clinical testing. Allele origin: germline. Affected: yes.

Ambry Genetics
Classification: Likely benign for Cardiovascular phenotype. Last evaluated: 2018-11-15. Review status: criteria provided, single submitter. Criteria: Ambry Variant Classification Scheme 2023. Collection method: clinical testing. Allele origin: germline.

NM_000719.7(CACNA1C):c.960G>A (p.Thr320=)

Gene: CACNA1C (calcium voltage-gated channel subunit alpha1 C; plus strand). Cytogenetic location: 12p13.33.
Variant type: single nucleotide variant.
Coding change: c.960G>A on transcript NM_000719.7 (MANE Select); coding-DNA position 960, G replaced by A.
Protein change: p.Thr320=; no amino-acid change (threonine 320 retained).
Molecular consequence: synonymous variant.
Genome position (GRCh38, 1-based): chr12:2,493,233, G>A. VCF-style: chr12-2493233-G-A. GRCh37 (hg19) VCF-style: chr12-2602399-G-A.
Other names: c.960G>A, p.Thr320= (NM_001129827.2, NM_001129829.2, NM_001129830.3 and 18 more transcripts); c.951G>A, p.Thr317= (NM_001129844.2).
Identifiers: ClinVar variation 416866 (VCV000416866.19), dbSNP rs553958501, ClinGen allele CA6388586.